The following is an entry in ClinVar:

ClinVar aggregate classification (germline): Uncertain significance. Review status: criteria provided, multiple submitters, no conflicts (2 of 4 stars). 2 submissions from 2 submitters: Uncertain significance (2). Last evaluated 2026-02-28.

Conditions:
Lynch syndrome. Identifiers: Orphanet 144, MedGen C4552100, MONDO:0005835. Disease mechanism: loss of function.
Hereditary cancer-predisposing syndrome. Also called: Tumor predisposition; Hereditary Cancer Syndrome; Hereditary neoplastic syndrome; Neoplastic Syndromes, Hereditary. Identifiers: Orphanet 140162, MedGen C0027672, MeSH D009386, MONDO:0015356.

Submissions (2):

Ambry Genetics
Classification: Uncertain significance for Hereditary cancer-predisposing syndrome. Last evaluated: 2026-02-28. Review status: criteria provided, single submitter. Criteria: Ambry Variant Classification Scheme 2023. Collection method: clinical testing. Allele origin: germline.

All of Us Research Program, National Institutes of Health
Classification: Uncertain significance for Lynch syndrome. Last evaluated: 2024-03-24. Review status: criteria provided, single submitter. Criteria: ACMG Guidelines, 2015. Collection method: clinical testing. Allele origin: germline. Inheritance: Autosomal dominant inheritance. Observed: 1 variant allele, 1 heterozygote.
Comment: This missense variant replaces proline with serine at codon 1161 of the MSH6 protein. Computational prediction suggests that this variant may have deleterious impact on protein structure and function (internally defined REVEL score threshold >= 0.7, PMID: 27666373). To our knowledge, functional studies have not been reported for this variant. This variant has not been reported in individuals affected with MSH6-related disorders in the literature. This variant has not been identified in the general population by the Genome Aggregation Database (gnomAD). The available evidence is insufficient to determine the role of this variant in disease conclusively. Therefore, this variant is classified as a Variant of Uncertain Significance.

This study involves interpretation of variants in research participants for the purpose of population health screening. Participant phenotype was not available at the time of variant classification. Additional details can be found in publication PMID: 35346344, PMCID: PMC8962531

NM_000179.3(MSH6):c.3481C>T (p.Pro1161Ser)

Gene: MSH6 (mutS homolog 6; plus strand). Cytogenetic location: 2p16.3.
Variant type: single nucleotide variant.
Coding change: c.3481C>T on transcript NM_000179.3 (MANE Select); coding-DNA position 3481, C replaced by T.
Protein change: p.Pro1161Ser; replaces proline 1161 with serine.
Molecular consequence: missense variant.
Genome position (GRCh38, 1-based): chr2:47,804,952, C>T. VCF-style: chr2-47804952-C-T. GRCh37 (hg19) VCF-style: chr2-48032091-C-T.
Other names: c.2575C>T, p.Pro859Ser (NM_001281493.2, NM_001281494.2, NM_001406814.1 and 6 more transcripts); c.3577C>T, p.Pro1193Ser (NM_001406795.1, NM_001406802.1); c.3481C>T, p.Pro1161Ser (NM_001406796.1, NM_001406800.1, NM_001406808.1 and 1 more transcripts); c.3184C>T, p.Pro1062Ser (NM_001406797.1, NM_001406801.1, NM_001406818.1 and 10 more transcripts); c.3307C>T, p.Pro1103Ser (NM_001406798.1); c.2956C>T, p.Pro986Ser (NM_001406799.1, NM_001406806.1, NM_001406807.1); c.3487C>T, p.Pro1163Ser (NM_001406813.1); c.1915C>T, p.Pro639Ser (NM_001406817.1); and 7 more; short protein forms P1163S, P639S, P859S, P873S, P1031S, P88S, P1103S, P1105S.
Identifiers: ClinVar variation 1731849 (VCV001731849.5), dbSNP rs751190199, ClinGen allele CA346760134.
Genomic context (GRCh38, chr2:47,804,952, plus strand): 5'-TTCCTCCCTCATTCACAGGCTGGCTTATTAGCTGTAATGGCCCAGATGGGTTGTTACGTC[C>T]CTGCTGAAGTGTGCAGGCTCACACCAATTGATAGAGTGTTTACTAGACTTGGTGCCTCAG-3'
Protein context (NP_000170.1, residues 1151-1171): AVMAQMGCYV[Pro1161Ser]AEVCRLTPID